The following is an entry in ClinVar:

NM_020376.4(PNPLA2):c.1279C>T (p.Leu427Phe)

Gene: PNPLA2 (patatin like domain 2, triacylglycerol lipase; plus strand). Cytogenetic location: 11p15.5.
Variant type: single nucleotide variant.
Coding change: c.1279C>T on transcript NM_020376.4 (MANE Select); coding-DNA position 1279, C replaced by T.
Protein change: p.Leu427Phe; replaces leucine 427 with phenylalanine.
Molecular consequence: missense variant.
Genome position (GRCh38, 1-based): chr11:824,626, C>T. VCF-style: chr11-824626-C-T. GRCh37 (hg19) VCF-style: chr11-824626-C-T.
Other names: short protein forms L427F.
Identifiers: ClinVar variation 645535 (VCV000645535.10), dbSNP rs1590180520, ClinGen allele CA378984755.

ClinVar aggregate classification (germline): Uncertain significance (1 of 4 stars; one submission).

Conditions:
Neutral lipid storage myopathy (NLSDM). Also called: NEUTRAL LIPID STORAGE DISEASE WITHOUT ICHTHYOSIS. Identifiers: Orphanet 98908, MedGen C1853136, MONDO:0012545, OMIM 610717.

Submission:

Labcorp Genetics (formerly Invitae), Labcorp
Classification: Uncertain significance for Neutral lipid storage myopathy. Last evaluated: 2020-02-17. Review status: criteria provided, single submitter. Criteria: Invitae Variant Classification Sherloc (09022015). Collection method: clinical testing. Allele origin: germline.
Comment: Algorithms developed to predict the effect of missense changes on protein structure and function output the following: SIFT: "Tolerated"; PolyPhen-2: "Benign"; Align-GVGD: "Class C0". The phenylalanine amino acid residue is found in multiple mammalian species, suggesting that this missense change does not adversely affect protein function. These predictions have not been confirmed by published functional studies and their clinical significance is uncertain. In summary, the available evidence is currently insufficient to determine the role of this variant in disease. Therefore, it has been classified as a Variant of Uncertain Significance. This variant has not been reported in the literature in individuals with PNPLA2-related conditions. This sequence change replaces leucine with phenylalanine at codon 427 of the PNPLA2 protein (p.Leu427Phe). The leucine residue is moderately conserved and there is a small physicochemical difference between leucine and phenylalanine. This variant is not present in population databases (ExAC no frequency).